The following is an entry in ClinVar:

NM_000465.4(BARD1):c.1092ACC[1] (p.Pro366del)

Gene: BARD1 (BRCA1 associated RING domain 1; minus strand). Cytogenetic location: 2q35.
Variant type: Microsatellite.
Coding change: c.1092ACC[1] on transcript NM_000465.4 (MANE Select); one copy of the 3-base unit ACC starting at c.1092; the reference has two copies in a row; one copy, 3 bases deleted.
Protein change: p.Pro366del; deletes proline 366.
Molecular consequence: inframe deletion. On other transcripts: intron variant (3), non-coding transcript variant (2).
Genome position (GRCh38, 1-based): chr2:214,780,777-214,780,779, GGT deleted on the plus strand (ACC on the coding strand, the reverse complement: BARD1 is on the minus strand); deleting any 3 consecutive bases within chr2:214,780,777-214,780,783 gives the same sequence; the position shown is the placement nearest the transcript's 3' end. VCF-style (leftmost placement, unchanged base first): chr2-214780776-AGGT-A. GRCh37 (hg19) VCF-style: chr2-215645500-AGGT-A.
Other names: c.364+11518_364+11520del (NM_001282549.2); c.1035ACC[1], p.Pro347del (NM_001282543.2); c.159-28224_159-28222del (NM_001282548.2); c.215+16282_215+16284del (NM_001282545.2); short protein forms P347del, P366del.
Identifiers: ClinVar variation 822152 (VCV000822152.4), dbSNP rs1574817430, ClinGen allele CA915941687.

ClinVar aggregate classification (germline): Uncertain significance (1 of 4 stars; one submission).

Conditions:
Hereditary cancer-predisposing syndrome. Also called: Tumor predisposition; Hereditary Cancer Syndrome; Neoplastic Syndromes, Hereditary; Hereditary neoplastic syndrome. Identifiers: Orphanet 140162, MedGen C0027672, MeSH D009386, MONDO:0015356.

Submission:

Ambry Genetics
Classification: Uncertain significance for Hereditary cancer-predisposing syndrome. Last evaluated: 2018-08-06. Review status: criteria provided, single submitter. Criteria: Ambry Variant Classification Scheme 2023. Collection method: clinical testing. Allele origin: germline.
Comment: The c.1095_1097delACC variant (also known as p.P366del) is located in coding exon 4 of the BARD1 gene. This variant results from an in-frame ACC deletion at nucleotide positions 1095 to 1097. This results in the in-frame deletion of a proline at codon 366. This amino acid position is well conserved in available vertebrate species. Since supporting evidence is limited at this time, the clinical significance of this alteration remains unclear.